The following is an entry in ClinVar:

ClinVar aggregate classification (germline): Uncertain significance (1 of 4 stars; one submission).

Conditions:
Nephronophthisis. Also called: Juvenile Nephronophthisis. Identifiers: Orphanet 655, MedGen C0687120, MONDO:0019005, HP:0000090.

Allele frequency attached by ClinVar (database versions not stated): TOPMed 0.00001; ExAC 0.00002; gnomAD 0.00002; gnomAD exomes 0.00002; ESP Exome Variant Server 0.00008; 1000 Genomes Project 30x 0.00016; 1000 Genomes Project 0.00020.
gnomAD v4.1: 26 of 1,613,750 alleles (0.0016%); highest among the groups gnomAD compares: South Asian, 0.0077%; no homozygotes.

Submission:

Labcorp Genetics (formerly Invitae), Labcorp
Classification: Uncertain significance for Nephronophthisis. Last evaluated: 2022-06-20. Review status: criteria provided, single submitter. Criteria: Invitae Variant Classification Sherloc (09022015). Collection method: clinical testing. Allele origin: germline.
Comment: In summary, the available evidence is currently insufficient to determine the role of this variant in disease. Therefore, it has been classified as a Variant of Uncertain Significance. Algorithms developed to predict the effect of missense changes on protein structure and function are either unavailable or do not agree on the potential impact of this missense change (SIFT: "Deleterious"; PolyPhen-2: "Benign"; Align-GVGD: "Class C0"). This variant has not been reported in the literature in individuals affected with IQCB1-related conditions. This variant is present in population databases (rs374241434, gnomAD 0.006%). This sequence change replaces arginine, which is basic and polar, with cysteine, which is neutral and slightly polar, at codon 454 of the IQCB1 protein (p.Arg454Cys).

NM_001023570.4(IQCB1):c.1360C>T (p.Arg454Cys)

Gene: IQCB1 (IQ motif containing B1; minus strand). Cytogenetic location: 3q13.33.
Variant type: single nucleotide variant.
Coding change: c.1360C>T on transcript NM_001023570.4 (MANE Select); coding-DNA position 1360, C replaced by T.
Protein change: p.Arg454Cys; replaces arginine 454 with cysteine.
Molecular consequence: missense variant. On other transcripts: non-coding transcript variant (1).
Genome position (GRCh38, 1-based): chr3:121,781,793, G>A on the plus strand (C>T on the coding strand, the complement: IQCB1 is on the minus strand). VCF-style: chr3-121781793-G-A. GRCh37 (hg19) VCF-style: chr3-121500640-G-A.
Other names: c.961C>T, p.Arg321Cys (NM_001023571.4); c.1360C>T, p.Arg454Cys (NM_001319107.2); short protein forms R321C, R454C.
Identifiers: ClinVar variation 2077058 (VCV002077058.2), dbSNP rs374241434, ClinGen allele CA2567118.